The following is an entry in ClinVar:

ClinVar aggregate classification (germline): Likely benign. Review status: criteria provided, multiple submitters, no conflicts (2 of 4 stars). 3 submissions from 3 submitters: Likely benign (2). 1 of the submissions does not count toward it. Last evaluated 2025-05-01.

Conditions:
ZNF292-related disorder. Also called: ZNF292-related condition.

Allele frequency attached by ClinVar (database versions not stated): gnomAD 0.00033; TOPMed 0.00042; ExAC 0.00061; 1000 Genomes Project 30x 0.00078; 1000 Genomes Project 0.00100.
gnomAD v4.1: 352 of 1,610,738 alleles (0.022%); highest among the groups gnomAD compares: East Asian, 0.58%; 3 homozygotes.

Submissions (3):

CeGaT Center for Human Genetics Tuebingen
Classification: Likely benign. Last evaluated: 2025-05-01. Review status: criteria provided, single submitter. Criteria: CeGaT Center For Human Genetics Tuebingen Variant Classification Criteria Version 2. Collection method: clinical testing. Allele origin: germline. Affected: yes. Observed: 1 variant allele.
Comment: ZNF292: BP4, BP7

Blueprint Genetics
Classification: Likely benign. Last evaluated: 2024-10-28. Review status: criteria provided, single submitter. Criteria: ACMG Guidelines, 2015. Collection method: clinical testing. Allele origin: germline.

PreventionGenetics, part of Exact Sciences
Classification: Benign for ZNF292-related condition. Last evaluated: 2022-07-26. Review status: no assertion criteria provided. Collection method: clinical testing. Allele origin: germline. Not counted in ClinVar's aggregate classification.
Comment: This variant is classified as benign based on ACMG/AMP sequence variant interpretation guidelines (Richards et al. 2015 PMID: 25741868, with internal and published modifications).

NM_015021.3(ZNF292):c.7950G>A (p.Thr2650=)

Gene: ZNF292 (zinc finger protein 292; plus strand). Cytogenetic location: 6q14.3.
Variant type: single nucleotide variant.
Coding change: c.7950G>A on transcript NM_015021.3 (MANE Select); coding-DNA position 7950, G replaced by A.
Protein change: p.Thr2650=; no amino-acid change (threonine 2650 retained).
Molecular consequence: synonymous variant.
Genome position (GRCh38, 1-based): chr6:87,261,579, G>A. VCF-style: chr6-87261579-G-A. GRCh37 (hg19) VCF-style: chr6-87971297-G-A.
Other names: c.7530G>A, p.Thr2510= (NM_001351444.2).
Identifiers: ClinVar variation 3040946 (VCV003040946.13), dbSNP rs3734188, ClinGen allele CA3914889.